The following is an entry in ClinVar:

ClinVar aggregate classification (germline): Pathogenic/Likely pathogenic. Review status: criteria provided, multiple submitters, no conflicts (2 of 4 stars). 8 submissions from 8 submitters: Pathogenic (3); Likely pathogenic (3). 2 of the submissions do not count toward it. Last evaluated 2026-10-19.

Conditions:
RP1-related disorder. Also called: RP1-related condition.
Retinal disorder. Also called: Retinal disorders; Retinopathy; Retinopathies; Retinal Diseases. Identifiers: MedGen C0035309, MONDO:0005283, HP:0000488.
RP1-related dominant retinopathy. Identifiers: MedGen CN322606, MONDO:0800400.
Retinal dystrophy. Also called: Inherited retinal dystrophy. Identifiers: Orphanet 71862, MedGen C0854723, MeSH D058499, MONDO:0019118, HP:0000556.
Retinitis pigmentosa (RP). Identifiers: Orphanet 791, MedGen C0035334, MeSH D012174, MONDO:0019200, OMIM 268000. Inheritance: Autosomal dominant, autosomal recessive and X linked inheritance.

Allele frequency attached by ClinVar (database versions not stated): gnomAD exomes below 0.00001.
gnomAD v4.1: 1 of 1,613,838 alleles (0.000062%); highest among the groups gnomAD compares: Admixed American, 0.0017%; no homozygotes.

Submissions (8):

Department of Ophthalmology, Seoul National University Bundang Hospital
Classification: Pathogenic for RP1-related dominant retinopathy. Last evaluated: 2026-10-19. Review status: criteria provided, single submitter. Criteria: ACMG Guidelines, 2015. Collection method: clinical testing. Allele origin: germline. Inheritance: Autosomal dominant inheritance. Affected: yes.
Comment: Nonsense variant in exon 4, within the dominant cluster. Identified in a Korean multicenter RP1 cohort (PMID:42847597) with dominant retinitis pigmentosa. ACMG/AMP criteria: PVS1, PS4, PM2. Previously reported by Ellingford et al., 2016 (PMID:27208204).

Genetics Laboratory, Great Ormond Street Hospital NHS Foundation Trust, North Thames Genomic Laboratory Hub
Classification: Likely pathogenic for Retinal disorders. Last evaluated: 2025-08-21. Review status: criteria provided, single submitter. Criteria: ACGS Best Practice Guidelines for Variant Classification in Rare Disease 2024 v1.2. Collection method: clinical testing. Allele origin: germline. Affected: yes.
Comment: PS4_moderate, PM2_moderate, PVS1_strong

Labcorp Genetics (formerly Invitae), Labcorp
Classification: Pathogenic. Last evaluated: 2024-10-29. Review status: criteria provided, single submitter. Criteria: Invitae Variant Classification Sherloc (09022015). Collection method: clinical testing. Allele origin: germline.
Comment: This sequence change creates a premature translational stop signal (p.Gln678*) in the RP1 gene. While this is not anticipated to result in nonsense mediated decay, it is expected to disrupt the last 1479 amino acid(s) of the RP1 protein. This variant is present in population databases (no rsID available, gnomAD 0.003%). This premature translational stop signal has been observed in individuals with autosomal dominant retinitis pigmentosa (PMID: 28041643; internal data). ClinVar contains an entry for this variant (Variation ID: 236416). This variant disrupts the C-terminus of the RP1 protein. Many variants that disrupt this region have been reported in individuals with either autosomal dominant or autosomal recessive retinitis pigmentosa (PMID: 11527933, 19933189, 29425069, 30027431, 33681214). Therefore, variants that disrupt this region are expected to be disease-causing. For these reasons, this variant has been classified as Pathogenic.

Lab De Baere, Eye and Developmental Genetics Lab, Ghent University
Classification: Likely pathogenic for Retinitis pigmentosa. Last evaluated: 2024-10-01. Review status: criteria provided, single submitter. Criteria: ACMG Guidelines, 2015. Collection method: research. Allele origin: inherited. Affected: yes. Observed: 1 variant allele.
Comment: ACMG/AMP guidelines: PM2_PP, PP4_PP, PVS1_PS2, PP1

Dept Of Ophthalmology, Nagoya University
Classification: Likely pathogenic for Retinal dystrophy. Last evaluated: 2023-10-01. Review status: criteria provided, single submitter. Criteria: Submitter's publication. Collection method: research. Allele origin: germline. Affected: yes.

Blueprint Genetics
Classification: Pathogenic for RP1-related disorders. Last evaluated: 2022-10-13. Review status: criteria provided, single submitter. Criteria: ACMG Guidelines, 2015. Collection method: clinical testing. Allele origin: germline. Affected: yes. Observed: 5 variant alleles.

NIHR Bioresource Rare Diseases, University of Cambridge
Classification: Likely pathogenic for Retinitis pigmentosa. Last evaluated: 2015-01-01. Review status: no assertion criteria provided. Collection method: research. Allele origin: unknown. Affected: yes. Observed: 1 variant allele. Not counted in ClinVar's aggregate classification.

Centre for Genomic Medicine, Manchester, Central Manchester University Hospitals
Classification: Likely pathogenic for Retinal dystrophy. Review status: no assertion criteria provided. Collection method: clinical testing. Allele origin: germline. Affected: yes. Not counted in ClinVar's aggregate classification.

Literature cited by the submitters: PubMed 42847597 (cited by Department of Ophthalmology, Seoul National University Bundang Hospital); PubMed 27208204 (cited by Department of Ophthalmology, Seoul National University Bundang Hospital); PubMed 28041643 (cited by Labcorp Genetics (formerly Invitae), Labcorp and NIHR Bioresource Rare Diseases, University of Cambridge); PubMed 11527933 (cited by Labcorp Genetics (formerly Invitae), Labcorp); PubMed 19933189 (cited by Labcorp Genetics (formerly Invitae), Labcorp); PubMed 29425069 (cited by Labcorp Genetics (formerly Invitae), Labcorp); PubMed 30027431 (cited by Labcorp Genetics (formerly Invitae), Labcorp); PubMed 33681214 (cited by Labcorp Genetics (formerly Invitae), Labcorp).

NM_006269.2(RP1):c.2032C>T (p.Gln678Ter)

Gene: RP1 (RP1 axonemal microtubule associated; plus strand). Cytogenetic location: 8q12.1.
Variant type: single nucleotide variant.
Coding change: c.2032C>T on transcript NM_006269.2 (MANE Select); coding-DNA position 2032, C replaced by T.
Protein change: p.Gln678Ter; replaces glutamine 678 with a stop codon.
Molecular consequence: nonsense.
Genome position (GRCh38, 1-based): chr8:54,625,914, C>T. VCF-style: chr8-54625914-C-T. GRCh37 (hg19) VCF-style: chr8-55538474-C-T.
Other names: p.Gln678*; short protein forms Q678*.
Identifiers: ClinVar variation 236416 (VCV000236416.17), dbSNP rs878853328, ClinGen allele CA10581673.